The following is an entry in ClinVar:

ClinVar aggregate classification (germline): Pathogenic/Likely pathogenic. Review status: criteria provided, multiple submitters, no conflicts (2 of 4 stars). 4 submissions from 4 submitters: Pathogenic (2); Likely pathogenic (2). Last evaluated 2025-12-10.

Conditions:
Ehlers-Danlos syndrome due to tenascin-X deficiency (EDSCLL1). Also called: TNXB-Related Classical-Like Ehlers-Danlos Syndrome; TNX DEFICIENCY; EDS DUE TO TNX DEFICIENCY; Ehlers-Danlos syndrome, classic-like, 1; EHLERS-DANLOS SYNDROME, CLASSIC-LIKE. Identifiers: Orphanet 230839, MedGen C1848029, MONDO:0011670, OMIM 606408.
Vesicoureteral reflux 8 (VUR8). Identifiers: Orphanet 289365, MedGen C4014831, MONDO:0014422, OMIM 615963.
Inborn genetic diseases. Identifiers: MedGen C0950123, MeSH D030342.

Submissions (4):

Myriad Genetics, Inc.
Classification: Pathogenic for Ehlers-Danlos syndrome due to tenascin-X deficiency. Last evaluated: 2025-12-10. Review status: criteria provided, single submitter. Criteria: Myriad Autosomal Dominant, Autosomal Recessive and X-Linked Classification Criteria (2023). Collection method: clinical testing. Allele origin: unknown.
Comment: NM_019105.6(TNXB):c.1878delC(H626Qfs*81) is a frameshift variant classified as pathogenic in the context of classical-like Ehlers-Danlos syndrome, TNXB-related. H626Qfs*81 has not been observed in cases with relevant disease. Relevant functional assessments of this variant are not available in the literature. H626Qfs*81 has not been observed in referenced population frequency databases. In summary, NM_019105.6(TNXB):c.1878delC(H626Qfs*81) is a frameshift variant in a gene where loss of function is a known mechanism of disease and is predicted to disrupt protein function. Please note: this variant was assessed in the context of healthy population screening.

Mayo Clinic Laboratories, Mayo Clinic
Classification: Likely pathogenic. Last evaluated: 2025-02-11. Review status: criteria provided, single submitter. Criteria: ACMG Guidelines, 2015. Collection method: clinical testing. Allele origin: germline. Observed: 1 variant allele.
Comment: PM2_supporting, PVS1

Fulgent Genetics
Classification: Likely pathogenic for Ehlers-Danlos syndrome due to tenascin-X deficiency; Vesicoureteral reflux 8. Last evaluated: 2024-05-19. Review status: criteria provided, single submitter. Criteria: ACMG Guidelines, 2015. Collection method: clinical testing. Allele origin: germline.

Ambry Genetics
Classification: Pathogenic for Inborn genetic diseases. Last evaluated: 2016-12-12. Review status: criteria provided, single submitter. Criteria: Ambry exome assertion method (8-5-2015). Collection method: clinical testing. Allele origin: germline. Affected: yes. Observed: 1 variant allele.

NM_001365276.2(TNXB):c.1878del (p.His626fs)

Gene: TNXB (tenascin XB; minus strand). Cytogenetic location: 6p21.33.
Variant type: Deletion.
Coding change: c.1878del on transcript NM_001365276.2 (MANE Select); coding-DNA position 1878, one base deleted (C; older notation c.1878delC).
Protein change: p.His626fs; shifts the reading frame from histidine 626.
Molecular consequence: frameshift variant.
Genome position (GRCh38, 1-based): chr6:32,095,975, G deleted on the plus strand (C on the coding strand, the reverse complement: TNXB is on the minus strand). VCF-style (leftmost placement, unchanged base first): chr6-32095974-CG-C. GRCh37 (hg19) VCF-style: chr6-32063751-CG-C.
Other names: p.His626Glnfs*81; c.1878del, p.His626fs (NM_019105.8); short protein forms H626fs.
Identifiers: ClinVar variation 521427 (VCV000521427.7), dbSNP rs1554334255, ClinGen allele CA658796733.